The following is an entry in ClinVar:

ClinVar aggregate classification (germline): Uncertain significance (1 of 4 stars; one submission).

Submission:

Labcorp Genetics (formerly Invitae), Labcorp
Classification: Uncertain significance. Last evaluated: 2025-12-18. Review status: criteria provided, single submitter. Criteria: Invitae Variant Classification Sherloc (09022015). Collection method: clinical testing. Allele origin: germline.
Comment: This sequence change replaces tyrosine, which is neutral and polar, with histidine, which is basic and polar, at codon 686 of the NSD1 protein (p.Tyr686His). This variant is not present in population databases (gnomAD no frequency). This variant has not been reported in the literature in individuals affected with NSD1-related conditions. Invitae Evidence Modeling of protein sequence and biophysical properties (such as structural, functional, and spatial information, amino acid conservation, physicochemical variation, residue mobility, and thermodynamic stability) indicates that this missense variant is not expected to disrupt NSD1 protein function with a negative predictive value of 95%. In summary, the available evidence is currently insufficient to determine the role of this variant in disease. Therefore, it has been classified as a Variant of Uncertain Significance.

NM_022455.5(NSD1):c.2056T>C (p.Tyr686His)

Gene: NSD1 (nuclear receptor binding SET domain protein 1; plus strand). Cytogenetic location: 5q35.3.
Variant type: single nucleotide variant.
Coding change: c.2056T>C on transcript NM_022455.5 (MANE Select); coding-DNA position 2056, T replaced by C.
Protein change: p.Tyr686His; replaces tyrosine 686 with histidine.
Molecular consequence: missense variant.
Genome position (GRCh38, 1-based): chr5:177,210,455, T>C. VCF-style: chr5-177210455-T-C. GRCh37 (hg19) VCF-style: chr5-176637456-T-C.
Other names: c.1183T>C, p.Tyr395His (NM_001365684.2, NM_001409306.1, NM_001409307.1 and 3 more transcripts); c.2056T>C, p.Tyr686His (NM_001409301.1, NM_001409302.1, NM_001409303.1); c.1636T>C, p.Tyr546His (NM_001409304.1); c.1303T>C, p.Tyr435His (NM_001409305.1); short protein forms Y546H, Y435H, Y686H, Y395H.
Identifiers: ClinVar variation 4763101 (VCV004763101.1).